The following is an entry in ClinVar:

Single allele

Genes: AAK1 (AP2 associated kinase 1; minus strand), ACTG2 (actin gamma 2, smooth muscle; plus strand), ACTR2 (actin related protein 2; plus strand), ADD2 (adducin 2; minus strand), AFTPH (aftiphilin; plus strand) and 124 more. Cytogenetic location: 2p15-11.2.
Variant type: Duplication.
Identifiers: ClinVar variation 560065 (VCV000560065.3).

ClinVar aggregate classification (germline): Pathogenic (1 of 4 stars; one submission).

Submission:

Geisinger Autism and Developmental Medicine Institute, Geisinger Health System
Classification: Pathogenic. Last evaluated: 2018-04-15. Review status: criteria provided, single submitter. Criteria: ACMG CNV Guidelines, 2011. Collection method: provider interpretation. Allele origin: de novo.
Comment: Parental studies were performed, and the duplication was found to be de novo.